The following is an entry in ClinVar:

ClinVar aggregate classification (germline): Benign/Likely benign. Review status: criteria provided, multiple submitters, no conflicts (2 of 4 stars). 7 submissions from 7 submitters: Benign (1); Likely benign (6). Last evaluated 2026-09-01.

Conditions:
Inborn genetic diseases. Identifiers: MedGen C0950123, MeSH D030342.
Intellectual developmental disorder, autosomal recessive 5. Also called: Intellectual disability, autosomal recessive 5. Identifiers: Orphanet 88616, MedGen C1970199, MONDO:0012613, OMIM 611091.

Allele frequency attached by ClinVar (database versions not stated): 1000 Genomes Project 0.00100; 1000 Genomes Project 30x 0.00109; TOPMed 0.00158; gnomAD 0.00159; ESP Exome Variant Server 0.00200; gnomAD exomes 0.00257.
gnomAD v4.1: 3,974 of 1,614,184 alleles (0.25%); highest among the groups gnomAD compares: Non-Finnish European, 0.3%; 9 homozygotes.

Submissions (7):

CeGaT Center for Human Genetics Tuebingen
Classification: Likely benign. Last evaluated: 2026-09-01. Review status: criteria provided, single submitter. Criteria: CeGaT Center For Human Genetics Tuebingen Variant Classification Criteria Version 2. Collection method: clinical testing. Allele origin: germline. Affected: yes. Observed: 8 variant alleles.
Comment: NSUN2: BP4, BS2

Labcorp Genetics (formerly Invitae), Labcorp
Classification: Benign. Last evaluated: 2026-02-02. Review status: criteria provided, single submitter. Criteria: Invitae Variant Classification Sherloc (09022015). Collection method: clinical testing. Allele origin: germline.

Blueprint Genetics
Classification: Likely benign. Last evaluated: 2024-11-26. Review status: criteria provided, single submitter. Criteria: ACMG Guidelines, 2015. Collection method: clinical testing. Allele origin: germline.

GeneDx
Classification: Likely benign. Last evaluated: 2020-11-09. Review status: criteria provided, single submitter. Criteria: GeneDx Variant Classification Process June 2021. Collection method: clinical testing. Allele origin: germline. Affected: yes.

Illumina Laboratory Services, Illumina
Classification: Likely benign for Intellectual developmental disorder, autosomal recessive 5. Last evaluated: 2018-01-12. Review status: criteria provided, single submitter. Criteria: ICSL Variant Classification Criteria 13 December 2019. Collection method: clinical testing. Allele origin: germline.
Comment: This variant was observed in the ICSL laboratory as part of a predisposition screen in an ostensibly healthy population. It had not been previously curated by ICSL or reported in the Human Gene Mutation Database (HGMD: prior to June 1st, 2018), and was therefore a candidate for classification through an automated scoring system. Utilizing variant allele frequency, disease prevalence and penetrance estimates, and inheritance mode, an automated score was calculated to assess if this variant is too frequent to cause the disease. Based on the score and internal cut-off values, a variant classified as likely benign is not then subjected to further curation. The score for this variant resulted in a classification of likely benign for this disease.

Genetic Services Laboratory, University of Chicago
Classification: Likely benign. Last evaluated: 2017-04-03. Review status: criteria provided, single submitter. Criteria: ACMG Guidelines, 2015. Collection method: clinical testing. Allele origin: germline. Affected: no.

Ambry Genetics
Classification: Likely benign for Inborn genetic diseases. Last evaluated: 2016-08-24. Review status: criteria provided, single submitter. Criteria: Ambry Variant Classification Scheme 2023. Collection method: clinical testing. Allele origin: germline.

NM_017755.6(NSUN2):c.222C>T (p.Leu74=)

Gene: NSUN2 (NOP2/Sun RNA methyltransferase 2; minus strand). Cytogenetic location: 5p15.31.
Variant type: single nucleotide variant.
Coding change: c.222C>T on transcript NM_017755.6 (MANE Select); coding-DNA position 222, C replaced by T.
Protein change: p.Leu74=; no amino-acid change (leucine 74 retained).
Molecular consequence: synonymous variant. On other transcripts: non-coding transcript variant (1).
Genome position (GRCh38, 1-based): chr5:6,632,631, G>A on the plus strand (C>T on the coding strand, the complement: NSUN2 is on the minus strand). VCF-style: chr5-6632631-G-A. GRCh37 (hg19) VCF-style: chr5-6632744-G-A.
Other names: c.222C>T, p.Leu74= (NM_001193455.2).
Identifiers: ClinVar variation 211758 (VCV000211758.52), dbSNP rs138716662, ClinGen allele CA207810.